The following is an entry in ClinVar:

ClinVar aggregate classification (germline): Uncertain significance (1 of 4 stars; one submission).

Conditions:
Hereditary cancer-predisposing syndrome. Also called: Neoplastic Syndromes, Hereditary; Tumor predisposition; Hereditary Cancer Syndrome; Hereditary neoplastic syndrome. Identifiers: Orphanet 140162, MedGen C0027672, MeSH D009386, MONDO:0015356.

Submission:

Ambry Genetics
Classification: Uncertain significance for Hereditary cancer-predisposing syndrome. Last evaluated: 2017-03-21. Review status: criteria provided, single submitter. Criteria: Ambry Variant Classification Scheme 2023. Collection method: clinical testing. Allele origin: germline.
Comment: The p.D1715E variant (also known as c.5145C>G), located in coding exon 15 of the APC gene, results from a C to G substitution at nucleotide position 5145. The aspartic acid at codon 1715 is replaced by glutamic acid, an amino acid with highly similar properties. This amino acid position is well conserved in most available vertebrate species; however, glutamic acid is the reference amino acid in several other vertebrate species. In addition, in silico predictors for this gene do not accurately predict pathogenicity. Since supporting evidence is limited at this time, the clinical significance of this alteration remains unclear.

NM_000038.6(APC):c.5145C>G (p.Asp1715Glu)

Gene: APC (APC regulator of Wnt signaling pathway; plus strand). Cytogenetic location: 5q22.2.
Variant type: single nucleotide variant.
Coding change: c.5145C>G on transcript NM_000038.6 (MANE Select); coding-DNA position 5145, C replaced by G.
Protein change: p.Asp1715Glu; replaces aspartic acid 1715 with glutamic acid.
Molecular consequence: missense variant.
Genome position (GRCh38, 1-based): chr5:112,840,739, C>G. VCF-style: chr5-112840739-C-G. GRCh37 (hg19) VCF-style: chr5-112176436-C-G.
Other names: c.5145C>G, p.Asp1715Glu (NM_001127510.3, NM_001354895.2); c.5091C>G, p.Asp1697Glu (NM_001127511.3); c.5199C>G, p.Asp1733Glu (NM_001354896.2); c.5175C>G, p.Asp1725Glu (NM_001354897.2); c.5070C>G, p.Asp1690Glu (NM_001354898.2); c.5061C>G, p.Asp1687Glu (NM_001354899.2); c.5022C>G, p.Asp1674Glu (NM_001354900.2); c.4968C>G, p.Asp1656Glu (NM_001354901.2); and 5 more; short protein forms D1715E, D1697E, D1656E, D1733E, D1432E, D1555E, D1589E, D1614E.
Identifiers: ClinVar variation 482454 (VCV000482454.5), dbSNP rs1391225195, ClinGen allele CA16032575.